The following is an entry in ClinVar:

ClinVar aggregate classification (germline): Likely benign (0 of 4 stars; one submission).

Conditions:
PKD1-related disorder. Also called: PKD1-related condition.

Allele frequency attached by ClinVar (database versions not stated): gnomAD 0.00001; gnomAD exomes 0.00001; TOPMed 0.00001.

Submission:

PreventionGenetics, part of Exact Sciences
Classification: Likely benign for PKD1-related condition. Last evaluated: 2022-03-19. Review status: no assertion criteria provided. Collection method: clinical testing. Allele origin: germline.
Comment: This variant is classified as likely benign based on ACMG/AMP sequence variant interpretation guidelines (Richards et al. 2015 PMID: 25741868, with internal and published modifications).

NM_001009944.3(PKD1):c.2341C>T (p.Leu781=)

Gene: PKD1 (polycystin 1, transient receptor potential channel interacting; minus strand). Cytogenetic location: 16p13.3.
Variant type: single nucleotide variant.
Coding change: c.2341C>T on transcript NM_001009944.3 (MANE Select); coding-DNA position 2341, C replaced by T.
Protein change: p.Leu781=; no amino-acid change (leucine 781 retained).
Molecular consequence: synonymous variant.
Genome position (GRCh38, 1-based): chr16:2,114,682, G>A on the plus strand (C>T on the coding strand, the complement: PKD1 is on the minus strand). VCF-style: chr16-2114682-G-A. GRCh37 (hg19) VCF-style: chr16-2164683-G-A.
Other names: c.2341C>T, p.Leu781= (NM_000296.4).
Identifiers: ClinVar variation 3054520 (VCV003054520.2), dbSNP rs991250080, ClinGen allele CA276782817.